The following is an entry in ClinVar:

NM_001292063.2(OTOG):c.3751G>A (p.Gly1251Ser)

Gene: OTOG (otogelin; plus strand). Cytogenetic location: 11p15.1.
Variant type: single nucleotide variant.
Coding change: c.3751G>A on transcript NM_001292063.2 (MANE Select); coding-DNA position 3751, G replaced by A.
Protein change: p.Gly1251Ser; replaces glycine 1251 with serine.
Molecular consequence: missense variant.
Genome position (GRCh38, 1-based): chr11:17,602,251, G>A. VCF-style: chr11-17602251-G-A. GRCh37 (hg19) VCF-style: chr11-17623798-G-A.
Other names: c.3787G>A, p.Gly1263Ser (NM_001277269.2); short protein forms G1251S, G1263S.
Identifiers: ClinVar variation 1301603 (VCV001301603.6), dbSNP rs769211682, ClinGen allele CA5905776.

ClinVar aggregate classification (germline): Conflicting classifications of pathogenicity. Review status: criteria provided, conflicting classifications (1 of 4 stars). 3 submissions from 3 submitters: Uncertain significance (2); Likely benign (1). Last evaluated 2024-09-10.

Allele frequency attached by ClinVar (database versions not stated): gnomAD 0.00020 and 0.00021; TOPMed 0.00021; gnomAD exomes 0.00030; ExAC 0.00075.
gnomAD v4.1: 191 of 1,550,574 alleles (0.012%); highest among the groups gnomAD compares: South Asian, 0.096%; 1 homozygote.

Submissions (3):

GeneDx
Classification: Uncertain significance. Last evaluated: 2024-09-10. Review status: criteria provided, single submitter. Criteria: GeneDx Variant Classification Process June 2021. Collection method: clinical testing. Allele origin: germline. Affected: yes.
Comment: In silico analysis indicates that this missense variant does not alter protein structure/function; Has not been previously published as pathogenic or benign to our knowledge

Blueprint Genetics
Classification: Uncertain significance. Last evaluated: 2024-07-02. Review status: criteria provided, single submitter. Criteria: ACMG Guidelines, 2015. Collection method: clinical testing. Allele origin: germline.

Dubai Health Genomic Medicine Center, Dubai Health
Classification: Likely benign. Last evaluated: 2020-02-26. Review status: criteria provided, single submitter. Criteria: ACMG Guidelines, 2015. Collection method: clinical testing. Allele origin: germline. Affected: yes.